The following is an entry in ClinVar:

NM_000264.5(PTCH1):c.1379G>A (p.Trp460Ter)

Gene: PTCH1 (patched 1; minus strand). Cytogenetic location: 9q22.32.
Variant type: single nucleotide variant.
Coding change: c.1379G>A on transcript NM_000264.5 (MANE Select); coding-DNA position 1379, G replaced by A.
Protein change: p.Trp460Ter; replaces tryptophan 460 with a stop codon.
Molecular consequence: nonsense. On other transcripts: non-coding transcript variant (1), intron variant (1).
Genome position (GRCh38, 1-based): chr9:95,477,671, C>T on the plus strand (G>A on the coding strand, the complement: PTCH1 is on the minus strand). VCF-style: chr9-95477671-C-T. GRCh37 (hg19) VCF-style: chr9-98239953-C-T.
Other names: c.1181G>A, p.Trp394Ter (NM_001083602.3); c.1376G>A, p.Trp459Ter (NM_001083603.3); c.926G>A, p.Trp309Ter (NM_001083604.3, NM_001083605.3, NM_001083606.3 and 1 more transcripts); c.1347+384G>A (NM_001354918.2); short protein forms W394*, W460*, W309*, W459*.
Identifiers: ClinVar variation 428824 (VCV000428824.15), dbSNP rs1131690974, ClinGen allele CA374118622.
Genomic context (GRCh38, chr9:95,477,671, plus strand): 5'-GACAGTGCAACCAGCAGGACGCCAGCCAGCCCCACGGCACCCTGGGACTTGGAGCAGTCC[C>T]AGCGCAGCATGGTTAGACAGGCATAGGCGAGCTGCAAGCAGAACAATGGGGGCACAGAAC-3'

ClinVar aggregate classification (germline): Pathogenic. Review status: criteria provided, multiple submitters, no conflicts (2 of 4 stars). 2 submissions from 2 submitters: Pathogenic (2). Last evaluated 2019-07-29.

Conditions:
Gorlin syndrome. Also called: Nevoid Basal Cell Carcinoma Syndrome; Basal cell nevus syndrome. Identifiers: Orphanet 377, MedGen C0004779, MONDO:0007187.
Hereditary cancer-predisposing syndrome. Also called: Hereditary neoplastic syndrome; Tumor predisposition; Neoplastic Syndromes, Hereditary; Hereditary Cancer Syndrome. Identifiers: Orphanet 140162, MedGen C0027672, MeSH D009386, MONDO:0015356.

Allele frequency attached by ClinVar (database versions not stated): gnomAD exomes below 0.00001.
gnomAD v4.1: 1 of 1,614,206 alleles (0.000062%); highest among the groups gnomAD compares: Non-Finnish European, 0.000085%; no homozygotes.

Submissions (2):

Labcorp Genetics (formerly Invitae), Labcorp
Classification: Pathogenic for Gorlin syndrome. Last evaluated: 2019-07-29. Review status: criteria provided, single submitter. Criteria: Invitae Variant Classification Sherloc (09022015). Collection method: clinical testing. Allele origin: germline.
Comment: For these reasons, this variant has been classified as Pathogenic. Loss-of-function variants in PTCH1 are known to be pathogenic (PMID: 16301862, 16419085). Algorithms developed to predict the effect of sequence changes on RNA splicing suggest that this variant may create or strengthen a splice site, but this prediction has not been confirmed by published transcriptional studies. This variant has been observed in individuals affected with basal cell nevus syndrome (PMID: 8981943, 29575684). This variant is also known as G1368A in the literature. ClinVar contains an entry for this variant (Variation ID: 428824). This variant is not present in population databases (ExAC no frequency). This sequence change creates a premature translational stop signal (p.Trp460*) in the PTCH1 gene. It is expected to result in an absent or disrupted protein product.

Ambry Genetics
Classification: Pathogenic for Hereditary cancer-predisposing syndrome. Last evaluated: 2014-11-06. Review status: criteria provided, single submitter. Criteria: Ambry Variant Classification Scheme 2023. Collection method: clinical testing. Allele origin: germline.
Comment: The p.W460* pathogenic mutation (also known as c.1379G>A) located in coding exon 10 of the PTCH1 gene, results from a G to A substitution at nucleotide position 1379. This changes the amino acid from a tryptophan to a stop codon within coding exon 10. This pathogenic mutation has been reported in a sporadic case of nevoid basal cell-carcinoma syndrome (Wicking C et al. Am J Hum Genet. 1997 Jan;60(1):21-6). In addition to the clinical data presented in the literature, since premature stop codons are typically deleterious in nature, this alteration is interpreted as a disease-causing mutation (ACMG Recommendations for Standards for Interpretation and Reporting of Sequence Variations. Revision 2007. Genet Med. 2008;10:294).

Literature cited by the submitters: PubMed 16301862 (cited by Labcorp Genetics (formerly Invitae), Labcorp); PubMed 16419085 (cited by Labcorp Genetics (formerly Invitae), Labcorp); PubMed 8981943 (cited by Labcorp Genetics (formerly Invitae), Labcorp); PubMed 29575684 (cited by Labcorp Genetics (formerly Invitae), Labcorp).